The following is an entry in ClinVar:

NM_152703.5(SAMD9L):c.1568C>T (p.Ser523Leu)

Gene: SAMD9L (sterile alpha motif domain containing 9 like; minus strand). Cytogenetic location: 7q21.2.
Variant type: single nucleotide variant.
Coding change: c.1568C>T on transcript NM_152703.5 (MANE Select); coding-DNA position 1568, C replaced by T.
Protein change: p.Ser523Leu; replaces serine 523 with leucine.
Molecular consequence: missense variant.
Genome position (GRCh38, 1-based): chr7:93,134,404, G>A on the plus strand (C>T on the coding strand, the complement: SAMD9L is on the minus strand). VCF-style: chr7-93134404-G-A. GRCh37 (hg19) VCF-style: chr7-92763717-G-A.
Other names: c.1568C>T, p.Ser523Leu (NM_001303496.3, NM_001303497.3, NM_001303498.3 and 5 more transcripts); short protein forms S523L.
Identifiers: ClinVar variation 1719355 (VCV001719355.5), dbSNP rs2535426971, ClinGen allele CA368195772.

ClinVar aggregate classification (germline): Uncertain significance (1 of 4 stars; one submission).

Submission:

Labcorp Genetics (formerly Invitae), Labcorp
Classification: Uncertain significance. Last evaluated: 2022-09-13. Review status: criteria provided, single submitter. Criteria: Invitae Variant Classification Sherloc (09022015). Collection method: clinical testing. Allele origin: germline.
Comment: In summary, the available evidence is currently insufficient to determine the role of this variant in disease. Therefore, it has been classified as a Variant of Uncertain Significance. Advanced modeling of protein sequence and biophysical properties (such as structural, functional, and spatial information, amino acid conservation, physicochemical variation, residue mobility, and thermodynamic stability) performed at Invitae indicates that this missense variant is not expected to disrupt SAMD9L protein function. This variant has not been reported in the literature in individuals affected with SAMD9L-related conditions. This variant is not present in population databases (gnomAD no frequency). This sequence change replaces serine, which is neutral and polar, with leucine, which is neutral and non-polar, at codon 523 of the SAMD9L protein (p.Ser523Leu).